The following is an entry in ClinVar:

ClinVar aggregate classification (germline): Uncertain significance. Review status: criteria provided, multiple submitters, no conflicts (2 of 4 stars). 2 submissions from 2 submitters: Uncertain significance (2). Last evaluated 2025-03-27.

Conditions:
Imerslund-Grasbeck syndrome. Also called: PERNICIOUS ANEMIA, JUVENILE, DUE TO SELECTIVE INTESTINAL MALABSORPTION OF VITAMIN B12, WITH PROTEINURIA; ENTEROCYTE COBALAMIN MALABSORPTION; ENTEROCYTE INTRINSIC FACTOR RECEPTOR, DEFECT OF; Megaloblastic anemia due to inborn errors of metabolism; Imerslund-Gräsbeck syndrome. Identifiers: Orphanet 35858, MedGen C4551825, MONDO:0009853.
Inborn genetic diseases. Identifiers: MedGen C0950123, MeSH D030342.

gnomAD v4.1: 4 of 1,613,762 alleles (0.00025%); highest among the groups gnomAD compares: East Asian, 0.0089%; no homozygotes.

Submissions (2):

Ambry Genetics
Classification: Uncertain significance for Inborn genetic diseases. Last evaluated: 2025-03-27. Review status: criteria provided, single submitter. Criteria: Ambry Variant Classification Scheme 2023. Collection method: clinical testing. Allele origin: germline.

Labcorp Genetics (formerly Invitae), Labcorp
Classification: Uncertain significance for Imerslund-Grasbeck syndrome. Last evaluated: 2024-05-23. Review status: criteria provided, single submitter. Criteria: Invitae Variant Classification Sherloc (09022015). Collection method: clinical testing. Allele origin: germline.
Comment: This sequence change replaces asparagine, which is neutral and polar, with serine, which is neutral and polar, at codon 1071 of the CUBN protein (p.Asn1071Ser). This variant is present in population databases (no rsID available, gnomAD 0.02%). This variant has not been reported in the literature in individuals affected with CUBN-related conditions. Advanced modeling of protein sequence and biophysical properties (such as structural, functional, and spatial information, amino acid conservation, physicochemical variation, residue mobility, and thermodynamic stability) performed at Invitae indicates that this missense variant is not expected to disrupt CUBN protein function with a negative predictive value of 80%. In summary, the available evidence is currently insufficient to determine the role of this variant in disease. Therefore, it has been classified as a Variant of Uncertain Significance.

NM_001081.4(CUBN):c.3212A>G (p.Asn1071Ser)

Gene: CUBN (cubilin; minus strand). Cytogenetic location: 10p13.
Variant type: single nucleotide variant.
Coding change: c.3212A>G on transcript NM_001081.4 (MANE Select); coding-DNA position 3212, A replaced by G.
Protein change: p.Asn1071Ser; replaces asparagine 1071 with serine.
Molecular consequence: missense variant.
Genome position (GRCh38, 1-based): chr10:17,047,531, T>C on the plus strand (A>G on the coding strand, the complement: CUBN is on the minus strand). VCF-style: chr10-17047531-T-C. GRCh37 (hg19) VCF-style: chr10-17089530-T-C.
Other names: short protein forms N1071S.
Identifiers: ClinVar variation 3683140 (VCV003683140.3).
Genomic context (GRCh38, chr10:17,047,531, plus strand): 5'-GTGAAGTGCACTGCAATCAGTTGGCCAGTTCTCACTGTGATCCGATAAATGCATTCCCAG[T>C]TGTTGGGATAATTATTGGGGAAGTTTGGAGAAGTGAATGTCCCCAAATCATCTGTGTAGT-3'
Protein context (NP_001072.2, residues 1061-1081): SPNFPNNYPN[Asn1071Ser]WECIYRITVR